The following is an entry in ClinVar:

ClinVar aggregate classification (germline): Conflicting classifications of pathogenicity. Review status: criteria provided, conflicting classifications (1 of 4 stars). 5 submissions from 5 submitters: Uncertain significance (1); Benign (3). 1 of the submissions does not count toward it. Last evaluated 2024-09-01.

Conditions:
Hecht syndrome (DA7). Also called: Dutch-Kentucky syndrome; MOUTH, INABILITY TO OPEN COMPLETELY, AND SHORT FINGER-FLEXOR TENDONS. Identifiers: Orphanet 3377, MedGen C0265226, MONDO:0008016, OMIM 158300. Disease mechanism: gain of function.
MYH8-related disorder. Also called: MYH8-related condition.

Allele frequency attached by ClinVar (database versions not stated): gnomAD exomes 0.00015 and 0.00030; ExAC 0.00036; 1000 Genomes Project 0.00100; ESP Exome Variant Server 0.00100; gnomAD 0.00101 and 0.00111; TOPMed 0.00122; 1000 Genomes Project 30x 0.00125.
gnomAD v4.1: 379 of 1,614,124 alleles (0.023%); highest among the groups gnomAD compares: African/African-American, 0.37%; no homozygotes.

Submissions (5):

CeGaT Center for Human Genetics Tuebingen
Classification: Benign. Last evaluated: 2024-09-01. Review status: criteria provided, single submitter. Criteria: CeGaT Center For Human Genetics Tuebingen Variant Classification Criteria Version 2. Collection method: clinical testing. Allele origin: germline. Affected: yes. Observed: 2 variant alleles.
Comment: MYH8: BS1, BS2

GeneDx
Classification: Benign. Last evaluated: 2021-10-11. Review status: criteria provided, single submitter. Criteria: GeneDx Variant Classification Process June 2021. Collection method: clinical testing. Allele origin: germline. Affected: yes.

Labcorp Genetics (formerly Invitae), Labcorp
Classification: Benign. Last evaluated: 2019-12-31. Review status: criteria provided, single submitter. Criteria: Invitae Variant Classification Sherloc (09022015). Collection method: clinical testing. Allele origin: germline.

Illumina Laboratory Services, Illumina
Classification: Uncertain significance for Hecht syndrome. Last evaluated: 2018-01-12. Review status: criteria provided, single submitter. Criteria: ICSL Variant Classification Criteria 13 December 2019. Collection method: clinical testing. Allele origin: germline.

PreventionGenetics, part of Exact Sciences
Classification: Likely benign for MYH8-related condition. Last evaluated: 2020-02-19. Review status: no assertion criteria provided. Collection method: clinical testing. Allele origin: germline. Not counted in ClinVar's aggregate classification.
Comment: This variant is classified as likely benign based on ACMG/AMP sequence variant interpretation guidelines (Richards et al. 2015 PMID: 25741868, with internal and published modifications).

NM_002472.3(MYH8):c.143C>T (p.Ser48Phe)

Genes: MYH8 (myosin heavy chain 8; minus strand), MYHAS (myosin heavy chain gene cluster antisense RNA; plus strand). Cytogenetic location: 17p13.1.
Variant type: single nucleotide variant.
Coding change: c.143C>T on transcript NM_002472.3 (MANE Select); coding-DNA position 143, C replaced by T.
Protein change: p.Ser48Phe; replaces serine 48 with phenylalanine.
Molecular consequence: missense variant.
Genome position (GRCh38, 1-based): chr17:10,420,085, G>A on the plus strand (C>T on the coding strand, the complement: MYH8 is on the minus strand). VCF-style: chr17-10420085-G-A. GRCh37 (hg19) VCF-style: chr17-10323402-G-A.
Other names: short protein forms S48F.
Identifiers: ClinVar variation 783773 (VCV000783773.34), dbSNP rs146669648, ClinGen allele CA8388459.